The following is an entry in ClinVar:

NM_001386135.1(AFF3):c.2910C>T (p.Phe970=)

Gene: AFF3 (ALF transcription elongation factor 3; minus strand). Cytogenetic location: 2q11.2.
Variant type: single nucleotide variant.
Coding change: c.2910C>T on transcript NM_001386135.1 (MANE Select); coding-DNA position 2910, C replaced by T.
Protein change: p.Phe970=; no amino-acid change (phenylalanine 970 retained).
Molecular consequence: synonymous variant.
Genome position (GRCh38, 1-based): chr2:99,578,335, G>A on the plus strand (C>T on the coding strand, the complement: AFF3 is on the minus strand). VCF-style: chr2-99578335-G-A. GRCh37 (hg19) VCF-style: chr2-100194797-G-A.
Other names: c.2985C>T, p.Phe995= (NM_001025108.2); c.2910C>T, p.Phe970= (NM_002285.3).
Identifiers: ClinVar variation 3059808 (VCV003059808.4), dbSNP rs142157056, ClinGen allele CA1800747.

ClinVar aggregate classification (germline): Likely benign. Review status: criteria provided, multiple submitters, no conflicts (2 of 4 stars). 3 submissions from 3 submitters: Likely benign (2). 1 of the submissions does not count toward it. Last evaluated 2026-05-12.

Conditions:
AFF3-related disorder. Also called: AFF3-related condition.

Allele frequency attached by ClinVar (database versions not stated): ESP Exome Variant Server 0.00008; gnomAD exomes 0.00022; TOPMed 0.00063; gnomAD 0.00067; ExAC 0.00097; 1000 Genomes Project 30x 0.00203; 1000 Genomes Project 0.00220.
gnomAD v4.1: 445 of 1,599,048 alleles (0.028%); highest among the groups gnomAD compares: East Asian, 0.69%; 2 homozygotes.

Submissions (3):

Women's Health and Genetics/Laboratory Corporation of America, LabCorp
Classification: Likely benign. Last evaluated: 2026-05-12. Review status: criteria provided, single submitter. Criteria: LabCorp Variant Classification Summary - May 2015. Collection method: clinical testing. Allele origin: germline.

Blueprint Genetics
Classification: Likely benign. Last evaluated: 2024-09-24. Review status: criteria provided, single submitter. Criteria: ACMG Guidelines, 2015. Collection method: clinical testing. Allele origin: germline.

PreventionGenetics, part of Exact Sciences
Classification: Benign for AFF3-related condition. Last evaluated: 2019-03-13. Review status: no assertion criteria provided. Collection method: clinical testing. Allele origin: germline. Not counted in ClinVar's aggregate classification.
Comment: This variant is classified as benign based on ACMG/AMP sequence variant interpretation guidelines (Richards et al. 2015 PMID: 25741868, with internal and published modifications).